The following is an entry in ClinVar:

NM_002336.3(LRP6):c.2473C>T (p.Arg825Cys)

Gene: LRP6 (LDL receptor related protein 6; minus strand). Cytogenetic location: 12p13.2.
Variant type: single nucleotide variant.
Coding change: c.2473C>T on transcript NM_002336.3 (MANE Select); coding-DNA position 2473, C replaced by T.
Protein change: p.Arg825Cys; replaces arginine 825 with cysteine.
Molecular consequence: missense variant.
Genome position (GRCh38, 1-based): chr12:12,159,147, G>A on the plus strand (C>T on the coding strand, the complement: LRP6 is on the minus strand). VCF-style: chr12-12159147-G-A. GRCh37 (hg19) VCF-style: chr12-12312081-G-A.
Other names: c.2473C>T (NM_002336.2); short protein forms R825C.
Identifiers: ClinVar variation 1371118 (VCV001371118.8), dbSNP rs759239877, ClinGen allele CA6455433.

ClinVar aggregate classification (germline): Uncertain significance. Review status: criteria provided, multiple submitters, no conflicts (2 of 4 stars). 2 submissions from 2 submitters: Uncertain significance (2). Last evaluated 2025-08-14.

Conditions:
Inborn genetic diseases. Identifiers: MedGen C0950123, MeSH D030342.

Allele frequency attached by ClinVar (database versions not stated): gnomAD exomes below 0.00001 and 0.00001; ExAC 0.00001.
gnomAD v4.1: 9 of 1,613,808 alleles (0.00056%); highest among the groups gnomAD compares: South Asian, 0.0011%; no homozygotes.

Submissions (2):

Ambry Genetics
Classification: Uncertain significance for Inborn genetic diseases. Last evaluated: 2025-08-14. Review status: criteria provided, single submitter. Criteria: Ambry Variant Classification Scheme 2023. Collection method: clinical testing. Allele origin: germline.

Labcorp Genetics (formerly Invitae), Labcorp
Classification: Uncertain significance. Last evaluated: 2021-09-21. Review status: criteria provided, single submitter. Criteria: Invitae Variant Classification Sherloc (09022015). Collection method: clinical testing. Allele origin: germline.
Comment: In summary, the available evidence is currently insufficient to determine the role of this variant in disease. Therefore, it has been classified as a Variant of Uncertain Significance. This variant has not been reported in the literature in individuals affected with LRP6-related conditions. Algorithms developed to predict the effect of missense changes on protein structure and function (SIFT, PolyPhen-2, Align-GVGD) all suggest that this variant is likely to be disruptive. This variant is present in population databases (rs759239877, ExAC 0.006%). This sequence change replaces arginine with cysteine at codon 825 of the LRP6 protein (p.Arg825Cys). The arginine residue is highly conserved and there is a large physicochemical difference between arginine and cysteine.